The following is an entry in ClinVar:

NM_031844.3(HNRNPU):c.1029G>C (p.Lys343Asn)

Gene: HNRNPU (heterogeneous nuclear ribonucleoprotein U; minus strand). Cytogenetic location: 1q44.
Variant type: single nucleotide variant.
Coding change: c.1029G>C on transcript NM_031844.3 (MANE Select); coding-DNA position 1029, G replaced by C.
Protein change: p.Lys343Asn; replaces lysine 343 with asparagine.
Molecular consequence: missense variant.
Genome position (GRCh38, 1-based): chr1:244,859,363, C>G on the plus strand (G>C on the coding strand, the complement: HNRNPU is on the minus strand). VCF-style: chr1-244859363-C-G. GRCh37 (hg19) VCF-style: chr1-245022665-C-G.
Other names: c.972G>C, p.Lys324Asn (NM_004501.3); short protein forms K324N, K343N.
Identifiers: ClinVar variation 1723668 (VCV001723668.2), dbSNP rs1680765425, ClinGen allele CA345493416.

ClinVar aggregate classification (germline): Uncertain significance (1 of 4 stars; one submission).

Allele frequency attached by ClinVar (database versions not stated): TOPMed below 0.00001.

Submission:

GeneDx
Classification: Uncertain significance. Last evaluated: 2022-05-08. Review status: criteria provided, single submitter. Criteria: GeneDx Variant Classification Process June 2021. Collection method: clinical testing. Allele origin: germline. Affected: yes.
Comment: Not observed at significant frequency in large population cohorts (gnomAD); In silico analysis supports that this missense variant does not alter protein structure/function; Has not been previously published as pathogenic or benign to our knowledge